The following is an entry in ClinVar:

ClinVar aggregate classification (germline): Pathogenic (1 of 4 stars; one submission).

Submission:

GeneDx
Classification: Pathogenic. Last evaluated: 2025-05-29. Review status: criteria provided, single submitter. Criteria: GeneDx Variant Classification Process June 2021. Collection method: clinical testing. Allele origin: germline. Affected: yes.
Comment: Frameshift variant predicted to result in protein truncation or nonsense mediated decay in a gene for which loss of function is a known mechanism of disease; Not observed at significant frequency in large population cohorts (gnomAD); Has not been previously published as pathogenic or benign to our knowledge

NM_005529.7(HSPG2):c.3603_3604delinsT (p.Thr1202fs)

Gene: HSPG2 (heparan sulfate proteoglycan 2; minus strand). Cytogenetic location: 1p36.12.
Variant type: Indel.
Coding change: c.3603_3604delinsT on transcript NM_005529.7 (MANE Select); coding-DNA positions 3603 to 3604, GA replaced by T.
Protein change: p.Thr1202fs; shifts the reading frame from threonine 1202.
Molecular consequence: frameshift variant.
Genome position (GRCh38, 1-based): chr1:21,874,458-21,874,459, TC replaced by A on the plus strand (GA replaced by T on the coding strand, the reverse complement: HSPG2 is on the minus strand). VCF-style: chr1-21874458-TC-A. GRCh37 (hg19) VCF-style: chr1-22200951-TC-A.
Other names: c.3606_3607delinsT, p.Thr1203fs (NM_001291860.2); c.3603_3604delGAinsT (NM_005529.5); c.3603_3604delinsT (NM_005529.5); short protein forms T1203fs, T1202fs.
Identifiers: ClinVar variation 817179 (VCV000817179.2), dbSNP rs1572319254, ClinGen allele CA915941171.